The following is an entry in ClinVar:

NM_001148.6(ANK2):c.161G>A (p.Gly54Asp)

Gene: ANK2 (ankyrin 2; plus strand). Cytogenetic location: 4q25.
Variant type: single nucleotide variant.
Coding change: c.161G>A on transcript NM_001148.6 (MANE Select); coding-DNA position 161, G replaced by A.
Protein change: p.Gly54Asp; replaces glycine 54 with aspartic acid.
Molecular consequence: missense variant.
Genome position (GRCh38, 1-based): chr4:113,174,492, G>A. VCF-style: chr4-113174492-G-A. GRCh37 (hg19) VCF-style: chr4-114095648-G-A.
Other names: c.98G>A, p.Gly33Asp (NM_001127493.3, NM_001354243.2, NM_001354244.2 and 33 more transcripts); c.206G>A, p.Gly69Asp (NM_001354241.2, NM_001354242.2, NM_001386144.1 and 5 more transcripts); c.161G>A, p.Gly54Asp (NM_001354245.2, NM_001354246.2, NM_001354258.2 and 9 more transcripts); c.143G>A, p.Gly48Asp (NM_001354261.2, NM_001386147.1, NM_001386160.1); c.149G>A, p.Gly50Asp (NM_001354269.3, NM_001386148.2, NM_001386186.2 and 1 more transcripts); c.212G>A, p.Gly71Asp (NM_001386174.1, NM_001386175.1); short protein forms G33D, G54D, G69D, G50D, G48D, G71D.
Identifiers: ClinVar variation 2992722 (VCV002992722.6), dbSNP rs2484409097, ClinGen allele CA357993002.

ClinVar aggregate classification (germline): Uncertain significance. Review status: criteria provided, multiple submitters, no conflicts (2 of 4 stars). 3 submissions from 3 submitters: Uncertain significance (3). Last evaluated 2026-01-12.

Conditions:
Cardiovascular phenotype. Identifiers: MedGen CN230736.
Long QT syndrome (LQTS). Identifiers: MedGen C0023976, MeSH D008133, MONDO:0002442. Disease mechanism: loss of function. Inheritance: Various modes of inheritance.

gnomAD v4.1: 4 of 1,612,310 alleles (0.00025%); highest among the groups gnomAD compares: Non-Finnish European, 0.00025%; no homozygotes.

Submissions (3):

Dasa
Classification: Uncertain significance. Last evaluated: 2026-01-12. Review status: criteria provided, single submitter. Criteria: DASA Assertion Criteria. Collection method: clinical testing. Allele origin: germline.
Comment: NM_001148.6(ANK2):c.161G>A (p.Gly54Asp) is a missense variant that results in the substitution of glycine with aspartic acid. This variant is rare in population databases. The currently available literature and clinical evidence are not sufficient to establish a definitive association between this variant and the reported condition. Therefore, this variant is classified as a variant of uncertain significance.

Ambry Genetics
Classification: Uncertain significance for Cardiovascular phenotype. Last evaluated: 2023-11-20. Review status: criteria provided, single submitter. Criteria: Ambry Variant Classification Scheme 2023. Collection method: clinical testing. Allele origin: germline.
Comment: The p.G54D variant (also known as c.161G>A), located in coding exon 2 of the ANK2 gene, results from a G to A substitution at nucleotide position 161. The glycine at codon 54 is replaced by aspartic acid, an amino acid with similar properties. This alteration has been reported in a neurodevelopmental disorders cohort (Wang T et al. Nat Commun, 2020 Oct;11:4932).This amino acid position is highly conserved in available vertebrate species. In addition, this alteration is predicted to be deleterious by in silico analysis. Since supporting evidence is limited at this time, the clinical significance of this alteration remains unclear.

Labcorp Genetics (formerly Invitae), Labcorp
Classification: Uncertain significance for Long QT syndrome. Last evaluated: 2022-12-26. Review status: criteria provided, single submitter. Criteria: Invitae Variant Classification Sherloc (09022015). Collection method: clinical testing. Allele origin: germline.
Comment: This sequence change replaces glycine, which is neutral and non-polar, with aspartic acid, which is acidic and polar, at codon 54 of the ANK2 protein (p.Gly54Asp). This variant is not present in population databases (gnomAD no frequency). This missense change has been observed in individual(s) with neurodevelopmental disorder (PMID: 33004838). This variant is also known as c.257G>A. Advanced modeling of protein sequence and biophysical properties (such as structural, functional, and spatial information, amino acid conservation, physicochemical variation, residue mobility, and thermodynamic stability) performed at Invitae indicates that this missense variant is not expected to disrupt ANK2 protein function. In summary, the available evidence is currently insufficient to determine the role of this variant in disease. Therefore, it has been classified as a Variant of Uncertain Significance.

Literature cited by the submitters: PubMed 33004838 (cited by Ambry Genetics and Labcorp Genetics (formerly Invitae), Labcorp).